The following is an entry in ClinVar:

NM_001278716.2(FBXL4):c.493A>C (p.Asn165His)

Gene: FBXL4 (F-box and leucine rich repeat protein 4; minus strand). Cytogenetic location: 6q16.2.
Variant type: single nucleotide variant.
Coding change: c.493A>C on transcript NM_001278716.2 (MANE Select); coding-DNA position 493, A replaced by C.
Protein change: p.Asn165His; replaces asparagine 165 with histidine.
Molecular consequence: missense variant. On other transcripts: non-coding transcript variant (2).
Genome position (GRCh38, 1-based): chr6:98,926,496, T>G on the plus strand (A>C on the coding strand, the complement: FBXL4 is on the minus strand). VCF-style: chr6-98926496-T-G. GRCh37 (hg19) VCF-style: chr6-99374372-T-G.
Other names: c.493A>C, p.Asn165His (NM_012160.5); c.493A>C (NM_012160.3); short protein forms N165H.
Identifiers: ClinVar variation 437584 (VCV000437584.3), dbSNP rs761003289, ClinGen allele CA3933679.
Genomic context (GRCh38, chr6:98,926,496, plus strand): 5'-TTTCTACCATATAACTTAGGTCATTAAAAAATTAGTCTTACCTTACTTCAGCTGGTGGAT[T>G]TGGGGAATAAGGATTTGCAGAACAAGCGAGAATTCTAATGACTGCTCCGGGATGATAGGT-3'
Protein context (NP_001265645.1, residues 155-175): LACSANPYSP[Asn165His]PPAEVRWEIL

ClinVar aggregate classification (germline): Uncertain significance. Review status: criteria provided, multiple submitters, no conflicts (2 of 4 stars). 3 submissions from 3 submitters: Uncertain significance (3). Last evaluated 2022-08-22.

Conditions:
Inborn genetic diseases. Identifiers: MedGen C0950123, MeSH D030342.
Mitochondrial DNA depletion syndrome 13. Also called: FBXL4-Related Encephalomyopathic Mitochondrial DNA Depletion Syndrome; Mitochondrial DNA depletion syndrome 13 (encephalomyopathic type). Identifiers: Orphanet 369897, MedGen C3809592, MONDO:0014198, OMIM 615471.

Allele frequency attached by ClinVar (database versions not stated): ExAC 0.00002; gnomAD exomes 0.00002 and 0.00001; TOPMed 0.00001.
gnomAD v4.1: 28 of 1,607,276 alleles (0.0017%); highest among the groups gnomAD compares: Non-Finnish European, 0.0021%; no homozygotes.

Submissions (3):

Labcorp Genetics (formerly Invitae), Labcorp
Classification: Uncertain significance. Last evaluated: 2022-08-22. Review status: criteria provided, single submitter. Criteria: Invitae Variant Classification Sherloc (09022015). Collection method: clinical testing. Allele origin: germline.
Comment: This sequence change replaces asparagine, which is neutral and polar, with histidine, which is basic and polar, at codon 165 of the FBXL4 protein (p.Asn165His). This variant is present in population databases (rs761003289, gnomAD 0.003%). This variant has not been reported in the literature in individuals affected with FBXL4-related conditions. ClinVar contains an entry for this variant (Variation ID: 437584). Algorithms developed to predict the effect of missense changes on protein structure and function are either unavailable or do not agree on the potential impact of this missense change (SIFT: "Deleterious"; PolyPhen-2: "Possibly Damaging"; Align-GVGD: "Class C0"). In summary, the available evidence is currently insufficient to determine the role of this variant in disease. Therefore, it has been classified as a Variant of Uncertain Significance.

Ambry Genetics
Classification: Uncertain significance for Inborn genetic diseases. Last evaluated: 2022-02-02. Review status: criteria provided, single submitter. Criteria: Ambry Variant Classification Scheme 2023. Collection method: clinical testing. Allele origin: germline.

Wong Mito Lab, Molecular and Human Genetics, Baylor College of Medicine
Classification: Uncertain significance for Mitochondrial DNA depletion syndrome 13. Last evaluated: 2017-08-10. Review status: criteria provided, single submitter. Criteria: ACMG Guidelines, 2015. Collection method: reference population. Allele origin: germline.
Comment: The NM_012160.4:c.493A>C (NP_036292.2:p.Asn165His) [GRCH38: NC_000006.12:g.98926496T>G] variant in FBXL4 gene is interpretated to be a Uncertain Significance - Insufficient Evidence based on ACMG guidelines (PMID: 25741868). This variant meets one or more of the following evidence codes reported in the ACMG-guideline. PM2:This variant is absent in key population databases. Based on this evidence code ClinGen Pathogenicity Calculator (PMID:28081714) suggested that the variant is Uncertain Significance - Insufficient Evidence.